The following is an entry in ClinVar:

NM_002180.3(IGHMBP2):c.2183A>G (p.His728Arg)

Gene: IGHMBP2 (immunoglobulin mu DNA binding protein 2; plus strand). Cytogenetic location: 11q13.3.
Variant type: single nucleotide variant.
Coding change: c.2183A>G on transcript NM_002180.3 (MANE Select); coding-DNA position 2183, A replaced by G.
Protein change: p.His728Arg; replaces histidine 728 with arginine.
Molecular consequence: missense variant.
Genome position (GRCh38, 1-based): chr11:68,936,663, A>G. VCF-style: chr11-68936663-A-G. GRCh37 (hg19) VCF-style: chr11-68704131-A-G.
Other names: short protein forms H728R.
Identifiers: ClinVar variation 2190231 (VCV002190231.1), dbSNP rs536678728, ClinGen allele CA6153851.

ClinVar aggregate classification (germline): Uncertain significance (1 of 4 stars; one submission).

Conditions:
Charcot-Marie-Tooth disease axonal type 2S. Also called: CHARCOT-MARIE-TOOTH DISEASE, AXONAL, AUTOSOMAL RECESSIVE, TYPE 2S; CHARCOT-MARIE-TOOTH NEUROPATHY, TYPE 2S. Identifiers: Orphanet 443073, MedGen C4015349, MONDO:0014511, OMIM 616155.
Autosomal recessive distal spinal muscular atrophy 1. Also called: NEURONOPATHY, DISTAL HEREDITARY MOTOR, HARDING TYPE VI; NEUROPATHY, DISTAL HEREDITARY MOTOR, AUTOSOMAL RECESSIVE 1; SEVERE INFANTILE AXONAL NEUROPATHY WITH RESPIRATORY FAILURE; SPINAL MUSCULAR ATROPHY, DIAPHRAGMATIC; Spinal muscular atrophy with respiratory distress 1; HMN VI. Identifiers: Orphanet 98920, MedGen C1858517, MONDO:0011436, OMIM 604320.

gnomAD v4.1: 4 of 1,613,956 alleles (0.00025%); highest among the groups gnomAD compares: Admixed American, 0.005%; no homozygotes.

Submission:

Labcorp Genetics (formerly Invitae), Labcorp
Classification: Uncertain significance for Autosomal recessive distal spinal muscular atrophy 1; Charcot-Marie-Tooth disease axonal type 2S. Last evaluated: 2021-12-19. Review status: criteria provided, single submitter. Criteria: Invitae Variant Classification Sherloc (09022015). Collection method: clinical testing. Allele origin: germline.
Comment: This sequence change replaces histidine, which is basic and polar, with arginine, which is basic and polar, at codon 728 of the IGHMBP2 protein (p.His728Arg). This variant is present in population databases (rs536678728, gnomAD 0.009%). This variant has not been reported in the literature in individuals affected with IGHMBP2-related conditions. Advanced modeling of protein sequence and biophysical properties (such as structural, functional, and spatial information, amino acid conservation, physicochemical variation, residue mobility, and thermodynamic stability) performed at Invitae indicates that this missense variant is not expected to disrupt IGHMBP2 protein function. In summary, the available evidence is currently insufficient to determine the role of this variant in disease. Therefore, it has been classified as a Variant of Uncertain Significance.